The following is an entry in ClinVar:

NM_000535.7(PMS2):c.1714G>T (p.Ala572Ser)

Gene: PMS2 (PMS1 homolog 2, mismatch repair system component; minus strand). Cytogenetic location: 7p22.1.
Variant type: single nucleotide variant.
Coding change: c.1714G>T on transcript NM_000535.7 (MANE Select); coding-DNA position 1714, G replaced by T.
Protein change: p.Ala572Ser; replaces alanine 572 with serine.
Molecular consequence: missense variant. On other transcripts: non-coding transcript variant (1).
Genome position (GRCh38, 1-based): chr7:5,987,051, C>A on the plus strand (G>T on the coding strand, the complement: PMS2 is on the minus strand). VCF-style: chr7-5987051-C-A. GRCh37 (hg19) VCF-style: chr7-6026682-C-A.
Other names: c.1309G>T, p.Ala437Ser (NM_001322003.2, NM_001322004.2, NM_001322005.2 and 1 more transcripts); c.1558G>T, p.Ala520Ser (NM_001322006.2); c.1396G>T, p.Ala466Ser (NM_001322007.2, NM_001322008.2); c.1153G>T, p.Ala385Ser (NM_001322010.2); c.781G>T, p.Ala261Ser (NM_001322011.2, NM_001322012.2); c.1141G>T, p.Ala381Ser (NM_001322013.2); c.1714G>T, p.Ala572Ser (NM_001322014.2); c.1405G>T, p.Ala469Ser (NM_001322015.2); short protein forms A572S, A261S, A381S, A385S, A437S, A466S, A520S, A469S.
Identifiers: ClinVar variation 631000 (VCV000631000.14), dbSNP rs63751023, ClinGen allele CA366740201.
Genomic context (GRCh38, chr7:5,987,051, plus strand): 5'-GACAAATGTCAGAACTGGAAAGAATTTCTTCTTTTTTAAAACGCTTTGTGTTTGGGGTTG[C>A]GAGATTAGTTGGCTGAGGCAAAACTCGAAATTTACATCCGGTATCTTCCTGGTTTGAATG-3'
Protein context (NP_000526.2, residues 562-582): FRVLPQPTNL[Ala572Ser]TPNTKRFKKE

ClinVar aggregate classification (germline): Conflicting classifications of pathogenicity. Review status: criteria provided, conflicting classifications (1 of 4 stars). 3 submissions from 3 submitters: Uncertain significance (2); Likely benign (1). Last evaluated 2025-03-31.

Conditions:
Hereditary nonpolyposis colorectal neoplasms. Identifiers: MedGen C0009405, MeSH D003123.
Hereditary cancer-predisposing syndrome. Also called: Tumor predisposition; Neoplastic Syndromes, Hereditary; Hereditary neoplastic syndrome; Hereditary Cancer Syndrome. Identifiers: Orphanet 140162, MedGen C0027672, MeSH D009386, MONDO:0015356.

Submissions (3):

Ambry Genetics
Classification: Likely benign for Hereditary cancer-predisposing syndrome. Last evaluated: 2025-03-31. Review status: criteria provided, single submitter. Criteria: Ambry Variant Classification Scheme 2023. Collection method: clinical testing. Allele origin: germline.

Color Diagnostics, LLC DBA Color Health
Classification: Uncertain significance for Hereditary cancer-predisposing syndrome. Last evaluated: 2023-12-05. Review status: criteria provided, single submitter. Criteria: ACMG Guidelines, 2015. Collection method: clinical testing. Allele origin: germline.
Comment: This missense variant replaces alanine with serine at codon 572 of the PMS2 protein. Computational prediction suggests that this variant may not impact protein structure and function (internally defined REVEL score threshold <= 0.5, PMID: 27666373). To our knowledge, functional studies have not been reported for this variant. This variant has not been reported in individuals affected with PMS2-related disorders in the literature. This variant has not been identified in the general population by the Genome Aggregation Database (gnomAD). The available evidence is insufficient to determine the role of this variant in disease conclusively. Therefore, this variant is classified as a Variant of Uncertain Significance.

Labcorp Genetics (formerly Invitae), Labcorp
Classification: Uncertain significance for Hereditary nonpolyposis colorectal neoplasms. Last evaluated: 2018-07-24. Review status: criteria provided, single submitter. Criteria: Invitae Variant Classification Sherloc (09022015). Collection method: clinical testing. Allele origin: germline.
Comment: Algorithms developed to predict the effect of missense changes on protein structure and function output the following: SIFT: "Tolerated"; PolyPhen-2: "Benign"; Align-GVGD: "Class C0". The serine amino acid residue is found in multiple mammalian species, suggesting that this missense change does not adversely affect protein function. These predictions have not been confirmed by published functional studies and their clinical significance is uncertain. In summary, the available evidence is currently insufficient to determine the role of this variant in disease. Therefore, it has been classified as a Variant of Uncertain Significance. This sequence change replaces alanine with serine at codon 572 of the PMS2 protein (p.Ala572Ser). The alanine residue is weakly conserved and there is a moderate physicochemical difference between alanine and serine. This variant is not present in population databases (ExAC no frequency). This variant has not been reported in the literature in individuals with PMS2-related disease.